The following is an entry in ClinVar:

NM_000051.4(ATM):c.7739G>T (p.Arg2580Ile)

Genes: ATM (ATM serine/threonine kinase; plus strand), C11orf65 (chromosome 11 open reading frame 65; minus strand). Cytogenetic location: 11q22.3.
Variant type: single nucleotide variant.
Coding change: c.7739G>T on transcript NM_000051.4 (MANE Select); coding-DNA position 7739, G replaced by T.
Protein change: p.Arg2580Ile; replaces arginine 2580 with isoleucine.
Molecular consequence: missense variant. On other transcripts: intron variant (2).
Genome position (GRCh38, 1-based): chr11:108,331,988, G>T. VCF-style: chr11-108331988-G-T. GRCh37 (hg19) VCF-style: chr11-108202715-G-T.
Other names: c.641-22917C>A (NM_001330368.2); c.*38+3232C>A (NM_001351110.2); c.7739G>T, p.Arg2580Ile (NM_001351834.2); short protein forms R2580I.
Identifiers: ClinVar variation 1372306 (VCV001372306.10), dbSNP rs761790685, ClinGen allele CA382561121.
Genomic context (GRCh38, chr11:108,331,988, plus strand): 5'-TACTGGCCTTAGCAAATGCAAACAGAGATGAATTTCTGACTAAACCAGAGGTAGCCAGAA[G>T]AAGCAGAATAACTAAAAATGTGCCTAAACAAAGCTCTCAGCTTGATGAGGTATTTGGATT-3'
Protein context (NP_000042.3, residues 2570-2590): EFLTKPEVAR[Arg2580Ile]SRITKNVPKQ

ClinVar aggregate classification (germline): Uncertain significance. Review status: criteria provided, multiple submitters, no conflicts (2 of 4 stars). 3 submissions from 3 submitters: Uncertain significance (3). Last evaluated 2025-10-01.

Conditions:
Ataxia-telangiectasia syndrome (AT). Also called: Ataxia-telangiectasia; LOUIS-BAR SYNDROME; Ataxia-telangiectasia, complementation group D; AT, COMPLEMENTATION GROUP C; ATAXIA-TELANGIECTASIA, COMPLEMENTATION GROUP A; ATAXIA-TELANGIECTASIA, FRESNO VARIANT. Identifiers: Orphanet 100, MedGen C0004135, MONDO:0008840, OMIM 208900.
Hereditary cancer-predisposing syndrome. Also called: Tumor predisposition; Neoplastic Syndromes, Hereditary; Hereditary Cancer Syndrome; Hereditary neoplastic syndrome. Identifiers: Orphanet 140162, MedGen C0027672, MeSH D009386, MONDO:0015356.

Submissions (3):

Labcorp Genetics (formerly Invitae), Labcorp
Classification: Uncertain significance for Ataxia-telangiectasia syndrome. Last evaluated: 2025-10-01. Review status: criteria provided, single submitter. Criteria: Invitae Variant Classification Sherloc (09022015). Collection method: clinical testing. Allele origin: germline.
Comment: This sequence change replaces arginine, which is basic and polar, with isoleucine, which is neutral and non-polar, at codon 2580 of the ATM protein (p.Arg2580Ile). This variant is not present in population databases (gnomAD no frequency). This variant has not been reported in the literature in individuals affected with ATM-related conditions. ClinVar contains an entry for this variant (Variation ID: 1372306). Invitae Evidence Modeling of protein sequence and biophysical properties (such as structural, functional, and spatial information, amino acid conservation, physicochemical variation, residue mobility, and thermodynamic stability) indicates that this missense variant is not expected to disrupt ATM protein function with a negative predictive value of 95%. Algorithms developed to predict the effect of sequence changes on RNA splicing suggest that this variant may disrupt the consensus splice site. In summary, the available evidence is currently insufficient to determine the role of this variant in disease. Therefore, it has been classified as a Variant of Uncertain Significance.

Ambry Genetics
Classification: Uncertain significance for Hereditary cancer-predisposing syndrome. Last evaluated: 2024-12-20. Review status: criteria provided, single submitter. Criteria: Ambry Variant Classification Scheme 2023. Collection method: clinical testing. Allele origin: germline.
Comment: The c.7739G>T variant (also known as p.R2580I), located in coding exon 51 of the ATM gene, results from a G to T substitution at nucleotide position 7739. The arginine at codon 2580 is replaced by isoleucine, an amino acid with similar properties. This nucleotide position is highly conserved in available vertebrate species. In silico splice site analysis predicts that this alteration may weaken the native splice donor site. RNA studies have demonstrated that this alteration results in a splice defect; the clinical impact of this abnormal splicing is unknown at this time (Ambry internal data). Based on the available evidence, the clinical significance of this variant remains unclear.

Women's Health and Genetics/Laboratory Corporation of America, LabCorp
Classification: Uncertain significance. Last evaluated: 2023-04-07. Review status: criteria provided, single submitter. Criteria: LabCorp Variant Classification Summary - May 2015. Collection method: clinical testing. Allele origin: germline.